The following is an entry in ClinVar:

NM_014043.4(CHMP2B):c.319A>G (p.Lys107Glu)

Gene: CHMP2B (charged multivesicular body protein 2B; plus strand). Cytogenetic location: 3p11.2.
Variant type: single nucleotide variant.
Coding change: c.319A>G on transcript NM_014043.4 (MANE Select); coding-DNA position 319, A replaced by G.
Protein change: p.Lys107Glu; replaces lysine 107 with glutamic acid.
Molecular consequence: missense variant.
Genome position (GRCh38, 1-based): chr3:87,245,906, A>G. VCF-style: chr3-87245906-A-G. GRCh37 (hg19) VCF-style: chr3-87295056-A-G.
Other names: c.196A>G, p.Lys66Glu (NM_001244644.2); c.415A>G, p.Lys139Glu (NM_001410777.1); short protein forms K66E, K107E, K139E.
Identifiers: ClinVar variation 4783343 (VCV004783343.1).

ClinVar aggregate classification (germline): Uncertain significance (1 of 4 stars; one submission).

Conditions:
Frontotemporal dementia and/or amyotrophic lateral sclerosis 7 (FTDALS7). Also called: CHMP2B-Related Frontotemporal Dementia-Amyotrophic Lateral Sclerosis; AMYOTROPHIC LATERAL SCLEROSIS, CHMP2B-RELATED; Amyotrophic lateral sclerosis 17; CHMP2B-related frontotemporal dementia. Identifiers: Orphanet 275864, Orphanet 282, Orphanet 803, MedGen C1833296, MONDO:0010936, OMIM 600795.

gnomAD v4.1: 1 of 1,605,124 alleles (0.000062%); no homozygotes.

Submission:

Labcorp Genetics (formerly Invitae), Labcorp
Classification: Uncertain significance for Frontotemporal dementia and/or amyotrophic lateral sclerosis 7. Last evaluated: 2025-11-10. Review status: criteria provided, single submitter. Criteria: Invitae Variant Classification Sherloc (09022015). Collection method: clinical testing. Allele origin: germline.
Comment: This sequence change replaces lysine, which is basic and polar, with glutamic acid, which is acidic and polar, at codon 107 of the CHMP2B protein (p.Lys107Glu). This variant is not present in population databases (gnomAD no frequency). This variant has not been reported in the literature in individuals affected with CHMP2B-related conditions. An algorithm developed to predict the effect of missense changes on protein structure and function (PolyPhen-2) suggests that this variant is likely to be disruptive. In summary, the available evidence is currently insufficient to determine the role of this variant in disease. Therefore, it has been classified as a Variant of Uncertain Significance.